The following is an entry in ClinVar:

NM_004006.3(DMD):c.1057T>C (p.Ser353Pro)

Gene: DMD (dystrophin; minus strand). Cytogenetic location: Xp21.1.
Variant type: single nucleotide variant.
Coding change: c.1057T>C on transcript NM_004006.3 (MANE Select); coding-DNA position 1057, T replaced by C.
Protein change: p.Ser353Pro; replaces serine 353 with proline.
Molecular consequence: missense variant.
Genome position (GRCh38, 1-based): chrX:32,645,056, A>G on the plus strand (T>C on the coding strand, the complement: DMD is on the minus strand). VCF-style: chrX-32645056-A-G. GRCh37 (hg19) VCF-style: chrX-32663173-A-G.
Other names: c.1033T>C, p.Ser345Pro (NM_000109.4); c.1045T>C, p.Ser349Pro (NM_004009.3); c.688T>C, p.Ser230Pro (NM_004010.3); c.1057T>C (NM_004006.2); short protein forms S353P, S230P, S345P, S349P.
Identifiers: ClinVar variation 499321 (VCV000499321.12), dbSNP rs753289586, ClinGen allele CA10379981.

ClinVar aggregate classification (germline): Conflicting classifications of pathogenicity. Review status: criteria provided, conflicting classifications (1 of 4 stars). 3 submissions from 3 submitters: Uncertain significance (2); Likely benign (1). Last evaluated 2024-10-22.

Conditions:
Duchenne muscular dystrophy (DMD). Also called: MUSCULAR DYSTROPHY, PSEUDOHYPERTROPHIC PROGRESSIVE, DUCHENNE TYPE; Duchenne Muscular Dystrophy (DMD). Identifiers: Orphanet 98896, MedGen C0013264, MONDO:0010679, OMIM 310200.
Cardiovascular phenotype. Identifiers: MedGen CN230736.

Allele frequency attached by ClinVar (database versions not stated): gnomAD exomes 0.00001; TOPMed 0.00001; ExAC 0.00002; gnomAD 0.00002.
gnomAD v4.1: 8 of 1,209,910 alleles (0.00066%); highest among the groups gnomAD compares: Admixed American, 0.0022%; no homozygotes.

Submissions (3):

Labcorp Genetics (formerly Invitae), Labcorp
Classification: Likely benign for Duchenne muscular dystrophy. Last evaluated: 2024-10-22. Review status: criteria provided, single submitter. Criteria: Invitae Variant Classification Sherloc (09022015). Collection method: clinical testing. Allele origin: germline.

Ambry Genetics
Classification: Uncertain significance for Cardiovascular phenotype. Last evaluated: 2022-11-21. Review status: criteria provided, single submitter. Criteria: Ambry Variant Classification Scheme 2023. Collection method: clinical testing. Allele origin: germline.
Comment: The p.S353P variant (also known as c.1057T>C), located in coding exon 10 of the DMD gene, results from a T to C substitution at nucleotide position 1057. The serine at codon 353 is replaced by proline, an amino acid with similar properties. This alteration has been reported in a Duchenne muscular dystrophy cohort; however, clinical details were limited (Nouri N et al. Gene, 2014 Feb;535:250-4). Based on data from gnomAD, the C allele has an overall frequency of 0.0011% (2/183389) total alleles studied, with 2 hemizygote(s) observed. The highest observed frequency was 0.0036% (1/27412) of Latino alleles. This amino acid position is not well conserved in available vertebrate species. In addition, this alteration is predicted to be tolerated by in silico analysis. Since supporting evidence is limited at this time, the clinical significance of this alteration remains unclear.

Eurofins Ntd Llc (ga)
Classification: Uncertain significance. Last evaluated: 2017-01-04. Review status: criteria provided, single submitter. Criteria: EGL Classification Definitions 2015. Collection method: clinical testing. Allele origin: germline. Observed: 1 variant allele, 1 hemizygote.

Literature cited by the submitters: PubMed 24274981 (cited by Ambry Genetics).